The following is an entry in ClinVar:

NM_001126128.2(PROK2):c.296T>C (p.Phe99Ser)

Gene: PROK2 (prokineticin 2; minus strand). Cytogenetic location: 3p13.
Variant type: single nucleotide variant.
Coding change: c.296T>C on transcript NM_001126128.2 (MANE Select); coding-DNA position 296, T replaced by C.
Protein change: p.Phe99Ser; replaces phenylalanine 99 with serine.
Molecular consequence: missense variant.
Genome position (GRCh38, 1-based): chr3:71,772,818, A>G on the plus strand (T>C on the coding strand, the complement: PROK2 is on the minus strand). VCF-style: chr3-71772818-A-G. GRCh37 (hg19) VCF-style: chr3-71821969-A-G.
Other names: c.233T>C, p.Phe78Ser (NM_021935.4); short protein forms F78S, F99S.
Identifiers: ClinVar variation 3036373 (VCV003036373.2), dbSNP rs138805187, ClinGen allele CA2491966.

ClinVar aggregate classification (germline): Likely benign (0 of 4 stars; one submission).

Conditions:
PROK2-related disorder. Also called: PROK2-related condition.

Allele frequency attached by ClinVar (database versions not stated): gnomAD exomes 0.00003; ExAC 0.00006; gnomAD 0.00007; TOPMed 0.00008; ESP Exome Variant Server 0.00015.
gnomAD v4.1: 56 of 1,614,026 alleles (0.0035%); highest among the groups gnomAD compares: African/African-American, 0.0027%; no homozygotes.

Submission:

PreventionGenetics, part of Exact Sciences
Classification: Likely benign for PROK2-related condition. Last evaluated: 2022-12-08. Review status: no assertion criteria provided. Collection method: clinical testing. Allele origin: germline.
Comment: This variant is classified as likely benign based on ACMG/AMP sequence variant interpretation guidelines (Richards et al. 2015 PMID: 25741868, with internal and published modifications).